The following is an entry in ClinVar:

ClinVar aggregate classification (germline): Pathogenic (1 of 4 stars; one submission).

Conditions:
Meckel syndrome, type 6. Identifiers: Orphanet 564, MedGen C2676790, MONDO:0012848, OMIM 612284.

Submission:

Women's Health and Genetics/Laboratory Corporation of America, LabCorp
Classification: Pathogenic for Meckel syndrome, type 6. Last evaluated: 2024-08-22. Review status: criteria provided, single submitter. Criteria: LabCorp Variant Classification Summary - May 2015. Collection method: clinical testing. Allele origin: germline.
Comment: Variant summary: CC2D2A c.1264_1268delins18 (p.Ser422GlyfsX19), also reported as c.(1263_4InsGGCATGTTTTGGC; c.1268G>A), results in a premature termination codon, predicted to cause a truncation of the encoded protein or absence of the protein due to nonsense mediated decay, which are commonly known mechanisms for disease. The variant was absent in 248306 control chromosomes. c.1264_1268delins18 has been reported in the literature in individuals affected with Meckel Syndrome Type 6 (Bachmann-Gagescu_2012). To our knowledge, no experimental evidence demonstrating an impact on protein function has been reported. The following publication have been ascertained in the context of this evaluation (PMID: 30267408). No submitters have cited clinical-significance assessments for this variant to ClinVar. Based on the evidence outlined above, the variant was classified as pathogenic.

Literature cited by the submitters: PubMed 22241855.

NM_001378615.1(CC2D2A):c.1264_1268delinsGGCATGTTTTGGCAGCCA (p.Ser422fs)

Genes: CC2D2A (coiled-coil and C2 domain containing 2A; plus strand), FBXL5 (F-box and leucine rich repeat protein 5; minus strand). Cytogenetic location: 4p15.32.
Variant type: Indel.
Coding change: c.1264_1268delinsGGCATGTTTTGGCAGCCA on transcript NM_001378615.1 (MANE Select); coding-DNA positions 1264 to 1268, AGCCG replaced by GGCATGTTTTGGCAGCCA.
Protein change: p.Ser422fs; shifts the reading frame from serine 422.
Molecular consequence: frameshift variant.
Genome position (GRCh38, 1-based): chr4:15,527,561-15,527,565, AGCCG replaced by GGCATGTTTTGGCAGCCA. VCF-style: chr4-15527561-AGCCG-GGCATGTTTTGGCAGCCA. GRCh37 (hg19) VCF-style: chr4-15529184-AGCCG-GGCATGTTTTGGCAGCCA.
Other names: c.1264_1268delinsGGCATGTTTTGGCAGCCA, p.Ser422fs (NM_001080522.2); c.1117_1121delinsGGCATGTTTTGGCAGCCA, p.Ser373fs (NM_001378617.1); short protein forms S373fs, S422fs.
Identifiers: ClinVar variation 3366668 (VCV003366668.1).